The following is an entry in ClinVar:

NM_000077.5(CDKN2A):c.364G>C (p.Gly122Arg)

Gene: CDKN2A (cyclin dependent kinase inhibitor 2A; minus strand). Cytogenetic location: 9p21.3.
Variant type: single nucleotide variant.
Coding change: c.364G>C on transcript NM_000077.5; coding-DNA position 364, G replaced by C.
Protein change: p.Gly122Arg; replaces glycine 122 with arginine.
Molecular consequence: missense variant (on NM_000077.6). On other transcripts: 3 prime UTR variant (2).
Genome position (GRCh38, 1-based): chr9:21,970,995, C>G on the plus strand (G>C on the coding strand, the complement: CDKN2A is on the minus strand). VCF-style: chr9-21970995-C-G. GRCh37 (hg19) VCF-style: chr9-21970994-C-G.
Other names: c.364G>C, p.Gly122Arg (NM_000077.6, NM_001195132.2); c.211G>C, p.Gly71Arg (NM_001363763.2); c.*8G>C (NM_058195.4); c.*287G>C (NM_058197.5); short protein forms G122R, G71R.
Identifiers: ClinVar variation 9422 (VCV000009422.5), dbSNP rs113798404, ClinGen allele CA120400.

ClinVar aggregate classification (germline): Uncertain significance. Review status: criteria provided, single submitter (1 of 4 stars). 2 submissions from 2 submitters: Uncertain significance (1). 1 of the submissions does not count toward it. Last evaluated 2022-08-18.

Conditions:
Familial melanoma. Also called: Hereditary melanoma; Hereditary cutaneous melanoma. Identifiers: Orphanet 618, MedGen C1512419, MONDO:0018961.
Melanoma, cutaneous malignant, susceptibility to, 2 (CMM2). Also called: CDKN2A-Related Cutaneous Malignant Melanoma; Cutaneous malignant melanoma 2. Identifiers: Orphanet 618, MedGen C1835044, MONDO:0007964, OMIM 155601.

Submissions (2):

Labcorp Genetics (formerly Invitae), Labcorp
Classification: Uncertain significance for Familial melanoma. Last evaluated: 2022-08-18. Review status: criteria provided, single submitter. Criteria: Invitae Variant Classification Sherloc (09022015). Collection method: clinical testing. Allele origin: germline.
Comment: This variant has not been reported in the literature in individuals affected with CDKN2A (p16INK4a)-related conditions. ClinVar contains an entry for this variant (Variation ID: 9422). Algorithms developed to predict the effect of missense changes on protein structure and function are either unavailable or do not agree on the potential impact of this missense change (SIFT: "Tolerated"; PolyPhen-2: "Probably Damaging"; Align-GVGD: "Class C25"). In summary, the available evidence is currently insufficient to determine the role of this variant in disease. Therefore, it has been classified as a Variant of Uncertain Significance. This variant is not present in population databases (gnomAD no frequency). This sequence change replaces glycine, which is neutral and non-polar, with arginine, which is basic and polar, at codon 122 of the CDKN2A (p16INK4a) protein (p.Gly122Arg).

OMIM
Classification: risk factor for MELANOMA, CUTANEOUS MALIGNANT, SUSCEPTIBILITY TO, 2. Last evaluated: 2002-05-15. Review status: no assertion criteria provided. Collection method: literature only. Allele origin: unknown. Not counted in ClinVar's aggregate classification.

Literature cited by the submitters: PubMed 12019208 (cited by OMIM).